The following is an entry in ClinVar:

ClinVar aggregate classification (germline): Benign/Likely benign. Review status: criteria provided, multiple submitters, no conflicts (2 of 4 stars). 2 submissions from 2 submitters: Benign (1); Likely benign (1). Last evaluated 2025-12-21.

Conditions:
Charcot-Marie-Tooth disease axonal type 2O. Also called: CHARCOT-MARIE-TOOTH NEUROPATHY, AXONAL, TYPE 2O; CHARCOT-MARIE-TOOTH DISEASE, AXONAL, AUTOSOMAL DOMINANT, TYPE 2O; Charcot-Marie-Tooth Neuropathy Type 2O; Charcot-Marie-Tooth disease, axonal, type 20. Identifiers: Orphanet 284232, MedGen C3280220, MONDO:0013644, OMIM 614228.

Allele frequency attached by ClinVar (database versions not stated): gnomAD exomes 0.00003 and 0.00009; ExAC 0.00013; ESP Exome Variant Server 0.00038; gnomAD 0.00046 and 0.00051; TOPMed 0.00057; 1000 Genomes Project 0.00140; 1000 Genomes Project 30x 0.00172.

Submissions (2):

Labcorp Genetics (formerly Invitae), Labcorp
Classification: Benign for Charcot-Marie-Tooth disease axonal type 2O. Last evaluated: 2025-12-21. Review status: criteria provided, single submitter. Criteria: Invitae Variant Classification Sherloc (09022015). Collection method: clinical testing. Allele origin: germline.

GeneDx
Classification: Likely benign. Last evaluated: 2018-03-07. Review status: criteria provided, single submitter. Criteria: GeneDx Variant Classification (06012015). Collection method: clinical testing. Allele origin: germline. Affected: yes.
Comment: This variant is considered likely benign or benign based on one or more of the following criteria: it is a conservative change, it occurs at a poorly conserved position in the protein, it is predicted to be benign by multiple in silico algorithms, and/or has population frequency not consistent with disease.

NM_001376.5(DYNC1H1):c.11595+12T>C

Gene: DYNC1H1 (dynein cytoplasmic 1 heavy chain 1; plus strand). Cytogenetic location: 14q32.31.
Variant type: single nucleotide variant.
Coding change: c.11595+12T>C on transcript NM_001376.5 (MANE Select); 12 bases into the intron after coding-DNA position 11595, T replaced by C.
Molecular consequence: intron variant.
Genome position (GRCh38, 1-based): chr14:102,039,558, T>C. VCF-style: chr14-102039558-T-C. GRCh37 (hg19) VCF-style: chr14-102505895-T-C.
Identifiers: ClinVar variation 516723 (VCV000516723.9), dbSNP rs200110362, ClinGen allele CA7353652.